The following is an entry in ClinVar:

NM_001085377.2(MCC):c.1620A>T (p.Glu540Asp)

Gene: MCC (MCC regulator of WNT signaling pathway; minus strand). Cytogenetic location: 5q22.2.
Variant type: single nucleotide variant.
Coding change: c.1620A>T on transcript NM_001085377.2 (MANE Select); coding-DNA position 1620, A replaced by T.
Protein change: p.Glu540Asp; replaces glutamic acid 540 with aspartic acid.
Molecular consequence: missense variant.
Genome position (GRCh38, 1-based): chr5:113,084,116, T>A on the plus strand (A>T on the coding strand, the complement: MCC is on the minus strand). VCF-style: chr5-113084116-T-A. GRCh37 (hg19) VCF-style: chr5-112419813-T-A.
Other names: c.1050A>T, p.Glu350Asp (NM_002387.3); short protein forms E350D, E540D.
Identifiers: ClinVar variation 1050483 (VCV001050483.1), dbSNP rs2150243862, ClinGen allele CA360628584.

ClinVar aggregate classification (germline): Uncertain significance (0 of 4 stars; one submission).

Submission:

Department of Pathology and Laboratory Medicine, Sinai Health System
Classification: Uncertain significance. Review status: no assertion criteria provided. Collection method: clinical testing. Allele origin: unknown. Affected: yes. Study: The Canadian Open Genetics Repository (COGR).
Comment: The MCC p.Glu350Asp variant was not identified in the literature nor was it identified in dbSNP, ClinVar, Cosmic, LOVD 3.0 or in the following control databases: the 1000 Genomes Project, the NHLBI GO Exome Sequencing Project, the Exome Aggregation Consortium (August 8th 2016), or the Genome Aggregation Database (Feb 27, 2017). The p.Glu350 residue is conserved in mammals and computational analyses (PolyPhen-2, SIFT, AlignGVGD, BLOSUM, MutationTaster) provide inconsistent predictions regarding the impact to the protein; this information is not very predictive of pathogenicity. The variant occurs outside of the splicing consensus sequence and in silico or computational prediction software programs (SpliceSiteFinder, MaxEntScan, NNSPLICE, GeneSplicer) do not predict a difference in splicing. In summary, based on the above information the clinical significance of this variant cannot be determined with certainty at this time. This variant is classified as a variant of uncertain significance.